The following is an entry in ClinVar:

NM_001715.3(BLK):c.39G>A (p.Lys13=)

Gene: BLK (BLK proto-oncogene, Src family tyrosine kinase). Cytogenetic location: 8p23.1.
Variant type: single nucleotide variant.
Coding change: c.39G>A on transcript NM_001715.3 (MANE Select); coding-DNA position 39, G replaced by A.
Protein change: p.Lys13=; no amino-acid change (lysine 13 retained).
Molecular consequence: synonymous variant. On other transcripts: intron variant (1).
Genome position (GRCh38, 1-based): chr8:11,543,263, G>A. VCF-style: chr8-11543263-G-A. GRCh37 (hg19) VCF-style: chr8-11400772-G-A.
Other names: c.-90-2789G>A (NM_001330465.2).
Identifiers: ClinVar variation 258177 (VCV000258177.24), dbSNP rs142129056, ClinGen allele CA4629636.

ClinVar aggregate classification (germline): Benign/Likely benign. Review status: criteria provided, multiple submitters, no conflicts (2 of 4 stars). 8 submissions from 8 submitters: Benign (6); Likely benign (2). Last evaluated 2026-08-01.

Conditions:
Systemic lupus erythematosus (SLE). Identifiers: Orphanet 536, MedGen C0024141, MONDO:0007915, OMIM 152700, HP:0002725.
Maturity-onset diabetes of the young type 11. Identifiers: Orphanet 552, MedGen C3150618, MONDO:0013242, OMIM 613375.

Allele frequency attached by ClinVar (database versions not stated): ExAC 0.00064; 1000 Genomes Project 30x 0.00234; TOPMed 0.00237; 1000 Genomes Project 0.00260; ESP Exome Variant Server 0.00261.
gnomAD v4.1: 603 of 1,614,026 alleles (0.037%); highest among the groups gnomAD compares: African/African-American, 0.75%; 3 homozygotes.

Submissions (8):

CeGaT Center for Human Genetics Tuebingen
Classification: Likely benign. Last evaluated: 2026-08-01. Review status: criteria provided, single submitter. Criteria: CeGaT Center For Human Genetics Tuebingen Variant Classification Criteria Version 2. Collection method: clinical testing. Allele origin: germline. Affected: yes. Observed: 1 variant allele.
Comment: BLK: BP4, BP7

Labcorp Genetics (formerly Invitae), Labcorp
Classification: Benign. Last evaluated: 2025-11-15. Review status: criteria provided, single submitter. Criteria: Invitae Variant Classification Sherloc (09022015). Collection method: clinical testing. Allele origin: germline.

Blueprint Genetics
Classification: Likely benign. Last evaluated: 2024-08-28. Review status: criteria provided, single submitter. Criteria: ACMG Guidelines, 2015. Collection method: clinical testing. Allele origin: germline.

ARUP Laboratories, Molecular Genetics and Genomics, ARUP Laboratories
Classification: Benign for Maturity-onset diabetes of the young type 11. Last evaluated: 2021-09-13. Review status: criteria provided, single submitter. Criteria: ARUP Molecular Germline Variant Investigation Process 2021. Collection method: clinical testing. Allele origin: germline.

Fulgent Genetics
Classification: Benign for Maturity-onset diabetes of the young type 11. Last evaluated: 2021-07-20. Review status: criteria provided, single submitter. Criteria: ACMG Guidelines, 2015. Collection method: clinical testing. Allele origin: unknown.

Illumina Laboratory Services, Illumina
Classification: Benign for Maturity-onset diabetes of the young type 11. Last evaluated: 2018-01-13. Review status: criteria provided, single submitter. Criteria: ICSL Variant Classification Criteria 13 December 2019. Collection method: clinical testing. Allele origin: germline.
Comment: This variant was observed in the ICSL laboratory as part of a predisposition screen in an ostensibly healthy population. It had not been previously curated by ICSL or reported in the Human Gene Mutation Database (HGMD: prior to June 1st, 2018), and was therefore a candidate for classification through an automated scoring system. Utilizing variant allele frequency, disease prevalence and penetrance estimates, and inheritance mode, an automated score was calculated to assess if this variant is too frequent to cause the disease. Based on the score and internal cut-off values, a variant classified as benign is not then subjected to further curation. The score for this variant resulted in a classification of benign for this disease.

Clinical Genomics, Uppaluri K&H Personalized Medicine Clinic
Classification: Benign for Systemic lupus erythematosus. Review status: criteria provided, single submitter. Criteria: K & H Uppaluri Personalized Medicine Clinic Variant Classification & Assertion Criteria_Updated V.1. Collection method: research. Allele origin: unknown.
Comment: BLK gene is associated with Systemic lupus erythematosus, sjogren's syndrome and other systemic inflammatory conditions. However no sufficient evidence is found to ascertain the role of this particular variant rs142129056, yet.

PreventionGenetics, part of Exact Sciences
Classification: Benign. Review status: criteria provided, single submitter. Criteria: ACMG Guidelines, 2015. Collection method: clinical testing. Allele origin: germline.

Literature cited by the submitters: PubMed 32313195 (cited by Clinical Genomics, Uppaluri K&H Personalized Medicine Clinic); PubMed 19667185 (cited by Clinical Genomics, Uppaluri K&H Personalized Medicine Clinic); PubMed 18204098 (cited by Clinical Genomics, Uppaluri K&H Personalized Medicine Clinic); PubMed 24023612 (cited by Clinical Genomics, Uppaluri K&H Personalized Medicine Clinic); PubMed 31670388 (cited by Clinical Genomics, Uppaluri K&H Personalized Medicine Clinic).